The following is an entry in ClinVar:

ClinVar aggregate classification (germline): Uncertain significance. Review status: criteria provided, multiple submitters, no conflicts (2 of 4 stars). 2 submissions from 2 submitters: Uncertain significance (2). Last evaluated 2022-05-04.

Conditions:
Ehlers-Danlos syndrome, dermatosparaxis type. Also called: EDS VIIC; Ehlers-Danlos syndrome, type VII, autosomal recessive; Dermatosparaxis. Identifiers: Orphanet 1901, MedGen C2700425, MONDO:0009161, OMIM 225410.

Allele frequency attached by ClinVar (database versions not stated): gnomAD exomes below 0.00001 and 0.00001.
gnomAD v4.1: 2 of 1,614,090 alleles (0.00012%); highest among the groups gnomAD compares: Admixed American, 0.0033%; no homozygotes.

Submissions (2):

Labcorp Genetics (formerly Invitae), Labcorp
Classification: Uncertain significance for Ehlers-Danlos syndrome, dermatosparaxis type. Last evaluated: 2022-05-04. Review status: criteria provided, single submitter. Criteria: Invitae Variant Classification Sherloc (09022015). Collection method: clinical testing. Allele origin: germline.
Comment: This sequence change replaces proline, which is neutral and non-polar, with serine, which is neutral and polar, at codon 523 of the ADAMTS2 protein (p.Pro523Ser). This variant is present in population databases (no rsID available, gnomAD 0.006%). This variant has not been reported in the literature in individuals affected with ADAMTS2-related conditions. ClinVar contains an entry for this variant (Variation ID: 1302246). Algorithms developed to predict the effect of missense changes on protein structure and function (SIFT, PolyPhen-2, Align-GVGD) all suggest that this variant is likely to be disruptive. In summary, the available evidence is currently insufficient to determine the role of this variant in disease. Therefore, it has been classified as a Variant of Uncertain Significance.

GeneDx
Classification: Uncertain significance. Last evaluated: 2019-05-16. Review status: criteria provided, single submitter. Criteria: GeneDx Variant Classification Process June 2021. Collection method: clinical testing. Allele origin: germline. Affected: yes.
Comment: Not observed at a significant frequency in large population cohorts (Lek et al., 2016); In silico analysis, which includes protein predictors and evolutionary conservation, supports a deleterious effect; Has not been previously published as pathogenic or benign to our knowledge

NM_014244.5(ADAMTS2):c.1567C>T (p.Pro523Ser)

Gene: ADAMTS2 (ADAM metallopeptidase with thrombospondin type 1 motif 2; minus strand). Cytogenetic location: 5q35.3.
Variant type: single nucleotide variant.
Coding change: c.1567C>T on transcript NM_014244.5 (MANE Select); coding-DNA position 1567, C replaced by T.
Protein change: p.Pro523Ser; replaces proline 523 with serine.
Molecular consequence: missense variant.
Genome position (GRCh38, 1-based): chr5:179,152,204, G>A on the plus strand (C>T on the coding strand, the complement: ADAMTS2 is on the minus strand). VCF-style: chr5-179152204-G-A. GRCh37 (hg19) VCF-style: chr5-178579205-G-A.
Other names: c.1567C>T, p.Pro523Ser (NM_021599.4); short protein forms P523S.
Identifiers: ClinVar variation 1302246 (VCV001302246.3), dbSNP rs1198309600, ClinGen allele CA362431218.